The following is an entry in ClinVar:

NM_001367561.1(DOCK7):c.3715G>T (p.Ala1239Ser)

Gene: DOCK7 (dedicator of cytokinesis 7; minus strand). Cytogenetic location: 1p31.3.
Variant type: single nucleotide variant.
Coding change: c.3715G>T on transcript NM_001367561.1 (MANE Select); coding-DNA position 3715, G replaced by T.
Protein change: p.Ala1239Ser; replaces alanine 1239 with serine.
Molecular consequence: missense variant.
Genome position (GRCh38, 1-based): chr1:62,529,343, C>A on the plus strand (G>T on the coding strand, the complement: DOCK7 is on the minus strand). VCF-style: chr1-62529343-C-A. GRCh37 (hg19) VCF-style: chr1-62995014-C-A.
Other names: c.3715G>T, p.Ala1239Ser (NM_001271999.2, NM_001330614.2); c.3622G>T, p.Ala1208Ser (NM_001272000.2, NM_001272001.2, NM_033407.4); short protein forms A1208S, A1239S.
Identifiers: ClinVar variation 1014350 (VCV001014350.9), dbSNP rs775037286, ClinGen allele CA885910.
Genomic context (GRCh38, chr1:62,529,343, plus strand): 5'-AATCATACAGCTGAGGTACAGTTTCCATGATAATACCAATCAGAGGTAGATACAACATGG[C>A]CACTCGAGCCTTTATCTGAGGGTCAGAGTACCGCGGGTCTGAGTCGTGACTGGAGAGTAA-3'
Protein context (NP_001354490.1, residues 1229-1249): YSDPQIKARV[Ala1239Ser]MLYLPLIGII

ClinVar aggregate classification (germline): Uncertain significance (1 of 4 stars; one submission).

Conditions:
Developmental and epileptic encephalopathy, 23 (DEE23). Also called: Epileptic encephalopathy, early infantile, 23. Identifiers: Orphanet 411986, MedGen C4014492, MONDO:0014371, OMIM 615859.

Allele frequency attached by ClinVar (database versions not stated): gnomAD exomes below 0.00001; ExAC 0.00001; TOPMed 0.00001.
gnomAD v4.1: 1 of 1,613,534 alleles (0.000062%); highest among the groups gnomAD compares: African/African-American, 0.0013%; no homozygotes.

Submission:

Labcorp Genetics (formerly Invitae), Labcorp
Classification: Uncertain significance for Developmental and epileptic encephalopathy, 23. Last evaluated: 2020-07-16. Review status: criteria provided, single submitter. Criteria: Invitae Variant Classification Sherloc (09022015). Collection method: clinical testing. Allele origin: germline.
Comment: In summary, the available evidence is currently insufficient to determine the role of this variant in disease. Therefore, it has been classified as a Variant of Uncertain Significance. Algorithms developed to predict the effect of missense changes on protein structure and function are either unavailable or do not agree on the potential impact of this missense change (SIFT: "Deleterious"; PolyPhen-2: "Possibly Damaging"; Align-GVGD: "Class C0"). This variant has not been reported in the literature in individuals with DOCK7-related conditions. This variant is present in population databases (rs775037286, ExAC 0.01%). This sequence change replaces alanine with serine at codon 1239 of the DOCK7 protein (p.Ala1239Ser). The alanine residue is highly conserved and there is a moderate physicochemical difference between alanine and serine.